The following is an entry in ClinVar:

NM_000245.4(MET):c.2062A>G (p.Arg688Gly)

Gene: MET (MET proto-oncogene, receptor tyrosine kinase; plus strand). Cytogenetic location: 7q31.2.
Variant type: single nucleotide variant.
Coding change: c.2062A>G on transcript NM_000245.4 (MANE Select); coding-DNA position 2062, A replaced by G.
Protein change: p.Arg688Gly; replaces arginine 688 with glycine.
Molecular consequence: missense variant.
Genome position (GRCh38, 1-based): chr7:116,757,734, A>G. VCF-style: chr7-116757734-A-G. GRCh37 (hg19) VCF-style: chr7-116397788-A-G.
Other names: c.2062A>G, p.Arg688Gly (NM_001127500.3, NM_001324401.3); c.772A>G, p.Arg258Gly (NM_001324402.2); c.2062A>G (NM_000245.2); short protein forms R258G, R688G.
Identifiers: ClinVar variation 664619 (VCV000664619.11), dbSNP rs1584941772, ClinGen allele CA368980034.

ClinVar aggregate classification (germline): Uncertain significance. Review status: criteria provided, multiple submitters, no conflicts (2 of 4 stars). 2 submissions from 2 submitters: Uncertain significance (2). Last evaluated 2026-07-01.

Conditions:
Hereditary cancer-predisposing syndrome. Also called: Neoplastic Syndromes, Hereditary; Hereditary Cancer Syndrome; Hereditary neoplastic syndrome; Tumor predisposition. Identifiers: Orphanet 140162, MedGen C0027672, MeSH D009386, MONDO:0015356.
Renal cell carcinoma. Identifiers: Orphanet 217071, MedGen C0007134, MeSH D002292, MONDO:0005086, HP:0005584.

Submissions (2):

Ambry Genetics
Classification: Uncertain significance for Hereditary cancer-predisposing syndrome. Last evaluated: 2026-07-01. Review status: criteria provided, single submitter. Criteria: Ambry Variant Classification Scheme 2023. Collection method: clinical testing. Allele origin: germline.
Comment: The p.R688G variant (also known as c.2062A>G), located in coding exon 7 of the MET gene, results from an A to G substitution at nucleotide position 2062. The arginine at codon 688 is replaced by glycine, an amino acid with dissimilar properties. This amino acid position is conserved. In addition, the in silico prediction for this alteration is inconclusive. Based on the available evidence, the clinical significance of this variant remains unclear.

Labcorp Genetics (formerly Invitae), Labcorp
Classification: Uncertain significance for Renal cell carcinoma. Last evaluated: 2018-10-04. Review status: criteria provided, single submitter. Criteria: Invitae Variant Classification Sherloc (09022015). Collection method: clinical testing. Allele origin: germline.
Comment: In summary, the available evidence is currently insufficient to determine the role of this variant in disease. Therefore, it has been classified as a Variant of Uncertain Significance. Algorithms developed to predict the effect of missense changes on protein structure and function are either unavailable or do not agree on the potential impact of this missense change (SIFT: "Tolerated"; PolyPhen-2: "Probably Damaging"; Align-GVGD: "Class C0"). This variant has not been reported in the literature in individuals with MET-related disease. This variant is not present in population databases (ExAC no frequency). This sequence change replaces arginine with glycine at codon 688 of the MET protein (p.Arg688Gly). The arginine residue is moderately conserved and there is a moderate physicochemical difference between arginine and glycine.